The following is an entry in ClinVar:

ClinVar aggregate classification (germline): Conflicting classifications of pathogenicity. Review status: criteria provided, conflicting classifications (1 of 4 stars). 14 submissions from 14 submitters: Uncertain significance (1); Benign (5); Likely benign (5). 3 of the submissions do not count toward it. Last evaluated 2026-01-25.

Conditions:
Cardiovascular phenotype. Identifiers: MedGen CN230736.
Catecholaminergic polymorphic ventricular tachycardia (CVPT). Also called: Catecholamine-induced polymorphic ventricular tachycardia. Identifiers: Orphanet 3286, MedGen C5574922, MONDO:0017990.
Long QT syndrome (LQTS). Identifiers: MedGen C0023976, MeSH D008133, MONDO:0002442. Disease mechanism: loss of function. Inheritance: Various modes of inheritance.
Brugada syndrome 1 (BRGDA1). Also called: RIGHT BUNDLE BRANCH BLOCK, ST SEGMENT ELEVATION, AND SUDDEN DEATH SYNDROME. Identifiers: Orphanet 130, MedGen C4551804, MONDO:0011001, OMIM 601144.
Long QT syndrome 11 (LQT11). Identifiers: Orphanet 101016, Orphanet 768, MedGen C2678483, MONDO:0012738, OMIM 611820.

Allele frequency attached by ClinVar (database versions not stated): 1000 Genomes Project 0.00120; 1000 Genomes Project 30x 0.00156; ExAC 0.00180; gnomAD exomes 0.00191; gnomAD 0.00202 and 0.00212; TOPMed 0.00234; ESP Exome Variant Server 0.00254.
gnomAD v4.1: 4,371 of 1,614,098 alleles (0.27%); highest among the groups gnomAD compares: Admixed American, 0.43%; 12 homozygotes.

Submissions (14):

Labcorp Genetics (formerly Invitae), Labcorp
Classification: Benign for Long QT syndrome. Last evaluated: 2026-01-25. Review status: criteria provided, single submitter. Criteria: Invitae Variant Classification Sherloc (09022015). Collection method: clinical testing. Allele origin: germline.

CeGaT Center for Human Genetics Tuebingen
Classification: Benign. Last evaluated: 2025-06-01. Review status: criteria provided, single submitter. Criteria: CeGaT Center For Human Genetics Tuebingen Variant Classification Criteria Version 2. Collection method: clinical testing. Allele origin: germline. Affected: yes. Observed: 3 variant alleles.
Comment: AKAP9: BS1, BS2

Blueprint Genetics
Classification: Likely benign. Last evaluated: 2024-11-18. Review status: criteria provided, single submitter. Criteria: ACMG Guidelines, 2015. Collection method: clinical testing. Allele origin: germline.

Women's Health and Genetics/Laboratory Corporation of America, LabCorp
Classification: Benign. Last evaluated: 2021-08-16. Review status: criteria provided, single submitter. Criteria: LabCorp Variant Classification Summary - May 2015. Collection method: clinical testing. Allele origin: germline.
Comment: Variant summary: AKAP9 c.510G>C (p.Glu170Asp) results in a conservative amino acid change in the encoded protein sequence. Four of five in-silico tools predict a benign effect of the variant on protein function. The variant allele was found at a frequency of 0.0019 in 251328 control chromosomes in the gnomAD database, including 1 homozygote. The observed variant frequency is approximately 574 fold of the estimated maximal expected allele frequency for a pathogenic variant in AKAP9 causing Long QT Syndrome phenotype (3.3e-06), strongly suggesting that the variant is benign. To our knowledge, no occurrence of c.510G>C in individuals affected with Long QT Syndrome and no experimental evidence demonstrating its impact on protein function have been reported. Seven clinical diagnostic laboratories have submitted clinical-significance assessments for this variant to ClinVar after 2014 without evidence for independent evaluation (likely benign/benign, n=6). Based on the evidence outlined above, the variant was classified as benign.

Ambry Genetics
Classification: Likely benign for Cardiovascular phenotype. Last evaluated: 2018-11-09. Review status: criteria provided, single submitter. Criteria: Ambry Variant Classification Scheme 2023. Collection method: clinical testing. Allele origin: germline.

Center for Advanced Laboratory Medicine, UC San Diego Health, University of California San Diego
Classification: Likely benign for Polymorphic catecholergic ventricular tachycardia. Last evaluated: 2017-12-18. Review status: criteria provided, single submitter. Criteria: ACMG Guidelines, 2015. Collection method: clinical testing. Allele origin: germline. Affected: yes. Observed: 1 variant allele.

ARUP Laboratories, Molecular Genetics and Genomics, ARUP Laboratories
Classification: Benign. Last evaluated: 2017-09-29. Review status: criteria provided, single submitter. Criteria: ARUP Molecular Germline Variant Investigation Process. Collection method: clinical testing. Allele origin: germline.

Agnes Ginges Centre for Molecular Cardiology, Centenary Institute
Classification: Benign for Brugada syndrome 1. Last evaluated: 2017-03-16. Review status: criteria provided, single submitter. Criteria: Agnes Ginges Centre for Molecular Cardiology criteria (2015). Collection method: research. Allele origin: germline. Inheritance: Autosomal dominant inheritance. Affected: yes.
Comment: The AKAP9 Glu170Asp has been previously identified in a Marfan Syndrome case, the patient also carried a FBN1 Cys2592Arg variant (Garzon SS, 2015). The AKAP9 Glu170Asp variant is found at high frequency in the Exome Aggregation Consortium dataset (MAF= 0.002), suggesting that it is a common polymorphism (Ng D, et al., 2013). Furthermore, computational tools SIFT, MutationTaster, and PolyPhen-2 predict this variant to be well tolerated. Based on a high allele frequency in the general population and in silico tools predicting no deleterious affect on the protein, we classify this variant as "benign".

Genome Diagnostics Laboratory, University Medical Center Utrecht
Classification: Likely benign for Long QT syndrome 11. Last evaluated: 2016-12-13. Review status: criteria provided, single submitter. Criteria: ACGS Guidelines, 2013. Collection method: clinical testing. Allele origin: germline. Affected: yes. Study: VKGL Data-share Consensus.

Biesecker Lab/Clinical Genomics Section, National Institutes of Health
Classification: Likely benign. Last evaluated: 2013-06-24. Review status: criteria provided, single submitter. Criteria: Ng et al. (Circ Cardiovasc Genet. 2013). Collection method: research. Allele origin: unknown. Observed: 2 variant alleles. Study: ClinSeq.
Comment: The study set was not selected for affection status in relation to any cancer. Pathogenicity categories were based on literature curation. See Pubmed ID:23861362 for details.

Medical sequencing

GeneDx
Classification: Uncertain significance. Last evaluated: 2012-02-23. Review status: criteria provided, single submitter. Criteria: GeneDx Variant Classification (06012015). Collection method: clinical testing. Allele origin: germline. Affected: yes.
Comment: p.E170D:GAG>GAC at the protein level, c.510 G>C at the DNA level. A heterozygous G>C nucleotide substitution was identified in exon 6 of the AKAP9 gene, resulting in replacement of the normal Glutamic acid codon (GAG) with an Aspartic acid codon (GAC) at amino acid position 170 in the A-kinase anchor protein 9. This missense change is denoted Glu170Asp (aka E170D) at the protein level and c.510 G>C at the cDNA level. The Glu170Asp variant in the AKAP9 gene has not been previously reported as a disease-causing mutation nor as a benign polymorphism, to our knowledge. The Glu170Asp variant was not detected in 600 alleles from control individuals of Caucasian and African American ancestry tested at GeneDx, indicating it is not a common benign variant in these populations. However, Glu170Asp results in a conservative substitution of a negatively charged amino acid with another at a position that is not highly conserved across species. In addition, no missense mutations have been reported in nearby codons of the AKAP9 gene, and Glu170Asp does not occur in or near either of the two known binding sites of AKAP9, indicating this region of the protein may be tolerant of change. With the molecular and clinical information available, we cannot determine the clinical significance of Glu170Asp and classify it as a variant of unknown clinical significance at this time. The variant is found in LQT panel(s).

Clinical Genetics DNA and cytogenetics Diagnostics Lab, Erasmus MC, Erasmus Medical Center
Classification: Likely benign. Review status: no assertion criteria provided. Collection method: clinical testing. Allele origin: germline. Affected: yes. Study: VKGL Data-share Consensus. Not counted in ClinVar's aggregate classification.

Clinical Genetics, Academic Medical Center
Classification: Benign. Review status: no assertion criteria provided. Collection method: clinical testing. Allele origin: germline. Affected: yes. Study: VKGL Data-share Consensus. Not counted in ClinVar's aggregate classification.

Joint Genome Diagnostic Labs from Nijmegen and Maastricht, Radboudumc and MUMC+
Classification: Benign. Review status: no assertion criteria provided. Collection method: clinical testing. Allele origin: germline. Affected: yes. Study: VKGL Data-share Consensus. Not counted in ClinVar's aggregate classification.

Literature cited by the submitters: PubMed 23861362 (cited by Agnes Ginges Centre for Molecular Cardiology, Centenary Institute).

NM_005751.5(AKAP9):c.510G>C (p.Glu170Asp)

Gene: AKAP9 (A-kinase anchoring protein 9; plus strand). Cytogenetic location: 7q21.2.
Variant type: single nucleotide variant.
Coding change: c.510G>C on transcript NM_005751.5 (MANE Select); coding-DNA position 510, G replaced by C.
Protein change: p.Glu170Asp; replaces glutamic acid 170 with aspartic acid.
Molecular consequence: missense variant.
Genome position (GRCh38, 1-based): chr7:91,992,989, G>C. VCF-style: chr7-91992989-G-C. GRCh37 (hg19) VCF-style: chr7-91622303-G-C.
Other names: p.E170D:GAG>GAC; c.510G>C, p.Glu170Asp (NM_147185.3); short protein forms E170D.
Identifiers: ClinVar variation 190518 (VCV000190518.60), dbSNP rs144888041, ClinGen allele CA235652.
Genomic context (GRCh38, chr7:91,992,989, plus strand): 5'-ACAAGACAGTCCGACTCATCTAGAGATGATGGAAAGTGAGTTGGCTGGGAAGCAGCATGA[G>C]ATTGAAGAGCTAAACAGAGAGCTGGAAGAAATGAGGGTTACCTATGGGACTGAAGGACTG-3'
Protein context (NP_005742.4, residues 160-180): MESELAGKQH[Glu170Asp]IEELNRELEE